The following is an entry in ClinVar:

ClinVar aggregate classification (germline): Uncertain significance (1 of 4 stars; one submission).

gnomAD v4.1: 1 of 1,519,530 alleles (0.000066%); highest among the groups gnomAD compares: Non-Finnish European, 0.000091%; no homozygotes.

Submission:

Labcorp Genetics (formerly Invitae), Labcorp
Classification: Uncertain significance. Last evaluated: 2026-01-05. Review status: criteria provided, single submitter. Criteria: Invitae Variant Classification Sherloc (09022015). Collection method: clinical testing. Allele origin: germline.
Comment: This sequence change replaces valine, which is neutral and non-polar, with isoleucine, which is neutral and non-polar, at codon 524 of the CHUK protein (p.Val524Ile). This variant is not present in population databases (gnomAD no frequency). This variant has not been reported in the literature in individuals affected with CHUK-related conditions. An algorithm developed to predict the effect of missense changes on protein structure and function (PolyPhen-2) suggests that this variant is likely to be tolerated. In summary, the available evidence is currently insufficient to determine the role of this variant in disease. Therefore, it has been classified as a Variant of Uncertain Significance.

NM_001278.5(CHUK):c.1570G>A (p.Val524Ile)

Gene: CHUK (component of inhibitor of nuclear factor kappa B kinase complex; minus strand). Cytogenetic location: 10q24.31.
Variant type: single nucleotide variant.
Coding change: c.1570G>A on transcript NM_001278.5 (MANE Select); coding-DNA position 1570, G replaced by A.
Protein change: p.Val524Ile; replaces valine 524 with isoleucine.
Molecular consequence: missense variant. On other transcripts: non-coding transcript variant (8).
Genome position (GRCh38, 1-based): chr10:100,200,780, C>T on the plus strand (G>A on the coding strand, the complement: CHUK is on the minus strand). VCF-style: chr10-100200780-C-T. GRCh37 (hg19) VCF-style: chr10-101960537-C-T.
Other names: c.1570G>A, p.Val524Ile (NM_001320928.2, NM_001441062.1, NM_001441063.1); c.1462G>A, p.Val488Ile (NM_001441064.1); c.1288G>A, p.Val430Ile (NM_001441065.1); c.943G>A, p.Val315Ile (NM_001441066.1); short protein forms V430I, V488I, V524I, V315I.
Identifiers: ClinVar variation 4718618 (VCV004718618.1).